The following is an entry in ClinVar:

ClinVar aggregate classification (germline): Uncertain significance. Review status: criteria provided, multiple submitters, no conflicts (2 of 4 stars). 3 submissions from 3 submitters: Uncertain significance (3). Last evaluated 2024-11-14.

Conditions:
Congenital myasthenic syndrome 8. Also called: Myasthenic syndrome, congenital, 8, with pre- and postsynaptic defects; MYASTHENIC SYNDROME, CONGENITAL, DUE TO AGRIN DEFICIENCY. Identifiers: Orphanet 590, MedGen C3808739, MONDO:0014052, OMIM 615120.
Inborn genetic diseases. Identifiers: MedGen C0950123, MeSH D030342.

Allele frequency attached by ClinVar (database versions not stated): ExAC below 0.00001; gnomAD 0.00002 and 0.00003; gnomAD exomes 0.00007 and 0.00021; TOPMed 0.00008.
gnomAD v4.1: 39 of 1,551,528 alleles (0.0025%); highest among the groups gnomAD compares: Admixed American, 0.074%; no homozygotes.

Submissions (3):

Ambry Genetics
Classification: Uncertain significance for Inborn genetic diseases. Last evaluated: 2024-11-14. Review status: criteria provided, single submitter. Criteria: Ambry Variant Classification Scheme 2023. Collection method: clinical testing. Allele origin: germline.

Labcorp Genetics (formerly Invitae), Labcorp
Classification: Uncertain significance for Congenital myasthenic syndrome 8. Last evaluated: 2023-12-11. Review status: criteria provided, single submitter. Criteria: Invitae Variant Classification Sherloc (09022015). Collection method: clinical testing. Allele origin: germline.
Comment: This sequence change replaces aspartic acid, which is acidic and polar, with asparagine, which is neutral and polar, at codon 2019 of the AGRN protein (p.Asp2019Asn). This variant is present in population databases (rs755342940, gnomAD 0.1%). This variant has not been reported in the literature in individuals affected with AGRN-related conditions. ClinVar contains an entry for this variant (Variation ID: 847183). An algorithm developed to predict the effect of missense changes on protein structure and function (PolyPhen-2) suggests that this variant is likely to be disruptive. In summary, the available evidence is currently insufficient to determine the role of this variant in disease. Therefore, it has been classified as a Variant of Uncertain Significance.

Fulgent Genetics
Classification: Uncertain significance for Congenital myasthenic syndrome 8. Last evaluated: 2022-05-23. Review status: criteria provided, single submitter. Criteria: ACMG Guidelines, 2015. Collection method: clinical testing. Allele origin: unknown.

NM_198576.4(AGRN):c.6055G>A (p.Asp2019Asn)

Gene: AGRN (agrin; plus strand). Cytogenetic location: 1p36.33.
Variant type: single nucleotide variant.
Coding change: c.6055G>A on transcript NM_198576.4 (MANE Select); coding-DNA position 6055, G replaced by A.
Protein change: p.Asp2019Asn; replaces aspartic acid 2019 with asparagine.
Molecular consequence: missense variant.
Genome position (GRCh38, 1-based): chr1:1,054,898, G>A. VCF-style: chr1-1054898-G-A. GRCh37 (hg19) VCF-style: chr1-990278-G-A.
Other names: c.6124G>A, p.Asp2042Asn (NM_001305275.2); c.5752G>A, p.Asp1918Asn (NM_001364727.2); short protein forms D1918N, D2019N, D2042N.
Identifiers: ClinVar variation 847183 (VCV000847183.6), dbSNP rs755342940, ClinGen allele CA510321.